The following is an entry in ClinVar:

NM_002878.4(RAD51D):c.631G>A (p.Val211Met)

Genes: RAD51D (RAD51 paralog D; minus strand), RAD51L3-RFFL (RAD51L3-RFFL readthrough; minus strand). Cytogenetic location: 17q12.
Variant type: single nucleotide variant.
Coding change: c.631G>A on transcript NM_002878.4 (MANE Select); coding-DNA position 631, G replaced by A.
Protein change: p.Val211Met; replaces valine 211 with methionine.
Molecular consequence: missense variant. On other transcripts: non-coding transcript variant (3).
Genome position (GRCh38, 1-based): chr17:35,103,490, C>T on the plus strand (G>A on the coding strand, the complement: RAD51D is on the minus strand). VCF-style: chr17-35103490-C-T. GRCh37 (hg19) VCF-style: chr17-33430509-C-T.
Other names: c.691G>A, p.Val231Met (NM_001142571.2); c.295G>A, p.Val99Met (NM_133629.3); short protein forms V211M, V99M, V231M.
Identifiers: ClinVar variation 580692 (VCV000580692.5), dbSNP rs1567726508, ClinGen allele CA399087898.

ClinVar aggregate classification (germline): Uncertain significance (1 of 4 stars; one submission).

Conditions:
Breast-ovarian cancer, familial, susceptibility to, 4. Identifiers: Orphanet 145, MedGen C3280345, MONDO:0013669, OMIM 614291.

Allele frequency attached by ClinVar (database versions not stated): gnomAD exomes below 0.00001.
gnomAD v4.1: 1 of 1,614,218 alleles (0.000062%); highest among the groups gnomAD compares: Non-Finnish European, 0.000085%; no homozygotes.

Submission:

Labcorp Genetics (formerly Invitae), Labcorp
Classification: Uncertain significance for Breast-ovarian cancer, familial, susceptibility to, 4. Last evaluated: 2020-01-11. Review status: criteria provided, single submitter. Criteria: Invitae Variant Classification Sherloc (09022015). Collection method: clinical testing. Allele origin: germline.
Comment: This variant is not present in population databases (ExAC no frequency). This sequence change replaces valine with methionine at codon 211 of the RAD51D protein (p.Val211Met). The valine residue is moderately conserved and there is a small physicochemical difference between valine and methionine. This variant has not been reported in the literature in individuals with RAD51D-related disease. In summary, the available evidence is currently insufficient to determine the role of this variant in disease. Therefore, it has been classified as a Variant of Uncertain Significance. Algorithms developed to predict the effect of missense changes on protein structure and function do not agree on the potential impact of this missense change (SIFT: "Tolerated"; PolyPhen-2: "Probably Damaging"; Align-GVGD: "Class C0").